The following is an entry in ClinVar:

NM_174934.4(SCN4B):c.439A>T (p.Ile147Phe)

Genes: SCN4B (sodium voltage-gated channel beta subunit 4; minus strand), LOC126861356 (BRD4-independent group 4 enhancer GRCh37_chr11:118014519-118015718; plus strand). Cytogenetic location: 11q23.3.
Variant type: single nucleotide variant.
Coding change: c.439A>T on transcript NM_174934.4 (MANE Select); coding-DNA position 439, A replaced by T.
Protein change: p.Ile147Phe; replaces isoleucine 147 with phenylalanine.
Molecular consequence: missense variant. On other transcripts: intron variant (1).
Genome position (GRCh38, 1-based): chr11:118,143,857, T>A on the plus strand (A>T on the coding strand, the complement: SCN4B is on the minus strand). VCF-style: chr11-118143857-T-A. GRCh37 (hg19) VCF-style: chr11-118014572-T-A.
Other names: c.109A>T, p.Ile37Phe (NM_001142349.2); c.62-2521A>T (NM_001142348.2); short protein forms I147F, I37F.
Identifiers: ClinVar variation 1740270 (VCV001740270.2), dbSNP rs1948132022, ClinGen allele CA382777875.

ClinVar aggregate classification (germline): Uncertain significance (1 of 4 stars; one submission).

Conditions:
Cardiovascular phenotype. Identifiers: MedGen CN230736.

Submission:

Ambry Genetics
Classification: Uncertain significance for Cardiovascular phenotype. Last evaluated: 2021-11-05. Review status: criteria provided, single submitter. Criteria: Ambry Variant Classification Scheme 2023. Collection method: clinical testing. Allele origin: germline.
Comment: The p.I147F variant (also known as c.439A>T), located in coding exon 3 of the SCN4B gene, results from an A to T substitution at nucleotide position 439. The isoleucine at codon 147 is replaced by phenylalanine, an amino acid with highly similar properties. This amino acid position is conserved. In addition, the in silico prediction for this alteration is inconclusive. Since supporting evidence is limited at this time, the clinical significance of this alteration remains unclear.